The following is an entry in ClinVar:

ClinVar aggregate classification (germline): Uncertain significance. Review status: criteria provided, multiple submitters, no conflicts (2 of 4 stars). 2 submissions from 2 submitters: Uncertain significance (2). Last evaluated 2021-08-20.

Conditions:
Retinitis pigmentosa 71 (RP71). Identifiers: Orphanet 791, MedGen C4225342, MONDO:0014618, OMIM 616394.
Short-rib thoracic dysplasia 10 with or without polydactyly (SRTD10). Identifiers: Orphanet 474, MedGen C3810175, MONDO:0014284, OMIM 615630.

gnomAD v4.1: 3 of 1,614,162 alleles (0.00019%); highest among the groups gnomAD compares: South Asian, 0.0011%; no homozygotes.

Submissions (2):

Labcorp Genetics (formerly Invitae), Labcorp
Classification: Uncertain significance for Retinitis pigmentosa 71; Short-rib thoracic dysplasia 10 with or without polydactyly. Last evaluated: 2021-08-20. Review status: criteria provided, single submitter. Criteria: Invitae Variant Classification Sherloc (09022015). Collection method: clinical testing. Allele origin: germline.
Comment: This sequence change replaces alanine with valine at codon 780 of the IFT172 protein (p.Ala780Val). The alanine residue is moderately conserved and there is a small physicochemical difference between alanine and valine. This variant is not present in population databases (ExAC no frequency). This variant has not been reported in the literature in individuals affected with IFT172-related conditions. Algorithms developed to predict the effect of missense changes on protein structure and function (SIFT, PolyPhen-2, Align-GVGD) all suggest that this variant is likely to be tolerated. In summary, the available evidence is currently insufficient to determine the role of this variant in disease. Therefore, it has been classified as a Variant of Uncertain Significance.

GeneDx
Classification: Uncertain significance. Last evaluated: 2019-07-19. Review status: criteria provided, single submitter. Criteria: GeneDx Variant Classification Process June 2021. Collection method: clinical testing. Allele origin: germline. Affected: yes.
Comment: Not observed in large population cohorts (Lek et al., 2016); In silico analysis, which includes protein predictors and evolutionary conservation, supports a deleterious effect; This variant is associated with the following publications: (PMID: 28454995)

NM_015662.3(IFT172):c.2339C>T (p.Ala780Val)

Gene: IFT172 (intraflagellar transport 172; minus strand). Cytogenetic location: 2p23.3.
Variant type: single nucleotide variant.
Coding change: c.2339C>T on transcript NM_015662.3 (MANE Select); coding-DNA position 2339, C replaced by T.
Protein change: p.Ala780Val; replaces alanine 780 with valine.
Molecular consequence: missense variant.
Genome position (GRCh38, 1-based): chr2:27,461,372, G>A on the plus strand (C>T on the coding strand, the complement: IFT172 is on the minus strand). VCF-style: chr2-27461372-G-A. GRCh37 (hg19) VCF-style: chr2-27684239-G-A.
Other names: short protein forms A780V.
Identifiers: ClinVar variation 1307102 (VCV001307102.6), dbSNP rs2148506384, ClinGen allele CA346384285.